The following is an entry in ClinVar:

NM_001329630.2(PLEKHA7):c.519G>A (p.Lys173=)

Gene: PLEKHA7 (pleckstrin homology domain containing A7; minus strand). Cytogenetic location: 11p15.2.
Variant type: single nucleotide variant.
Coding change: c.519G>A on transcript NM_001329630.2 (MANE Select); coding-DNA position 519, G replaced by A.
Protein change: p.Lys173=; no amino-acid change (lysine 173 retained).
Molecular consequence: synonymous variant.
Genome position (GRCh38, 1-based): chr11:16,854,892, C>T on the plus strand (G>A on the coding strand, the complement: PLEKHA7 is on the minus strand). VCF-style: chr11-16854892-C-T. GRCh37 (hg19) VCF-style: chr11-16876439-C-T.
Other names: c.519G>A, p.Lys173= (NM_001329631.2, NM_001410960.1, NM_175058.5).
Identifiers: ClinVar variation 3035431 (VCV003035431.2), dbSNP rs143574624, ClinGen allele CA5899754.
Genomic context (GRCh38, chr11:16,854,892, plus strand): 5'-GGAGAGAACTCAGCCAGAGCCATTTCCTCCAGGATTCTCACTCCTCGGCTTCCTCACCTG[C>T]TTGTGCAGCCAGCCCCTCACCACCACGGGAACATTGGGGTTCCTCCGAATGGCCTGGTCT-3'
Protein context (NP_001316559.1, residues 163-183): VPVVVRGWLH[Lys173=]QDSSGMRLWK

ClinVar aggregate classification (germline): Likely benign (0 of 4 stars; one submission).

Conditions:
PLEKHA7-related disorder. Also called: PLEKHA7-related condition.

Allele frequency attached by ClinVar (database versions not stated): 1000 Genomes Project 30x 0.00031; 1000 Genomes Project 0.00040; ExAC 0.00044; gnomAD 0.00062; TOPMed 0.00075; ESP Exome Variant Server 0.00077; gnomAD exomes 0.00096.
gnomAD v4.1: 1,502 of 1,613,678 alleles (0.093%); highest among the groups gnomAD compares: Non-Finnish European, 0.11%; 1 homozygote.

Submission:

PreventionGenetics, part of Exact Sciences
Classification: Likely benign for PLEKHA7-related condition. Last evaluated: 2022-02-28. Review status: no assertion criteria provided. Collection method: clinical testing. Allele origin: germline.
Comment: This variant is classified as likely benign based on ACMG/AMP sequence variant interpretation guidelines (Richards et al. 2015 PMID: 25741868, with internal and published modifications).